The following is an entry in ClinVar:

NM_001282717.2(STAG3):c.3426C>T (p.Val1142=)

Gene: STAG3 (STAG3 cohesin complex component; plus strand). Cytogenetic location: 7q22.1.
Variant type: single nucleotide variant.
Coding change: c.3426C>T on transcript NM_001282717.2 (MANE Select); coding-DNA position 3426, C replaced by T.
Protein change: p.Val1142=; no amino-acid change (valine 1142 retained).
Molecular consequence: synonymous variant. On other transcripts: non-coding transcript variant (2).
Genome position (GRCh38, 1-based): chr7:100,211,447, C>T. VCF-style: chr7-100211447-C-T. GRCh37 (hg19) VCF-style: chr7-99809070-C-T.
Other names: c.3423C>T, p.Val1141= (NM_001282716.1, NM_012447.4); c.3249C>T, p.Val1083= (NM_001282718.2); c.3426C>T, p.Val1142= (NM_001375438.1).
Identifiers: ClinVar variation 3041482 (VCV003041482.2), dbSNP rs773068743, ClinGen allele CA4379050.

ClinVar aggregate classification (germline): Likely benign (0 of 4 stars; one submission).

Conditions:
STAG3-related disorder. Also called: STAG3-related condition.

Allele frequency attached by ClinVar (database versions not stated): gnomAD 0.00005; ExAC 0.00007; TOPMed 0.00007; 1000 Genomes Project 30x 0.00016.

Submission:

PreventionGenetics, part of Exact Sciences
Classification: Likely benign for STAG3-related condition. Last evaluated: 2020-01-02. Review status: no assertion criteria provided. Collection method: clinical testing. Allele origin: germline.
Comment: This variant is classified as likely benign based on ACMG/AMP sequence variant interpretation guidelines (Richards et al. 2015 PMID: 25741868, with internal and published modifications).